The following is an entry in ClinVar:

NM_001232.4(CASQ2):c.158G>T (p.Cys53Phe)

Gene: CASQ2 (calsequestrin 2; minus strand). Cytogenetic location: 1p13.1.
Variant type: single nucleotide variant.
Coding change: c.158G>T on transcript NM_001232.4 (MANE Select); coding-DNA position 158, G replaced by T.
Protein change: p.Cys53Phe; replaces cysteine 53 with phenylalanine.
Molecular consequence: missense variant.
Genome position (GRCh38, 1-based): chr1:115,768,384, C>A on the plus strand (G>T on the coding strand, the complement: CASQ2 is on the minus strand). VCF-style: chr1-115768384-C-A. GRCh37 (hg19) VCF-style: chr1-116311005-C-A.
Other names: short protein forms C53F.
Identifiers: ClinVar variation 838554 (VCV000838554.14), dbSNP rs151168851, ClinGen allele CA29625172.

ClinVar aggregate classification (germline): Uncertain significance. Review status: criteria provided, multiple submitters, no conflicts (2 of 4 stars). 5 submissions from 5 submitters: Uncertain significance (5). Last evaluated 2025-01-03.

Conditions:
Catecholaminergic polymorphic ventricular tachycardia 1. Also called: VENTRICULAR TACHYCARDIA, CATECHOLAMINERGIC POLYMORPHIC, 1, WITH OR WITHOUT ATRIAL DYSFUNCTION AND/OR DILATED CARDIOMYOPATHY; RYR2-Related Catecholaminergic Polymorphic Ventricular Tachycardia; VENTRICULAR TACHYCARDIA, STRESS-INDUCED POLYMORPHIC 1. Identifiers: Orphanet 3286, MedGen C1631597, MONDO:0011484, OMIM 604772.
Cardiovascular phenotype. Identifiers: MedGen CN230736.
Catecholaminergic polymorphic ventricular tachycardia 2. Also called: CASQ2-Related Catecholaminergic Polymorphic Ventricular Tachycardia; VENTRICULAR TACHYCARDIA, STRESS-INDUCED POLYMORPHIC 2. Identifiers: Orphanet 3286, MedGen C2677794, MONDO:0012762, OMIM 611938.

Allele frequency attached by ClinVar (database versions not stated): gnomAD exomes below 0.00001 and 0.00003; TOPMed 0.00003; gnomAD 0.00005; ESP Exome Variant Server 0.00008.
gnomAD v4.1: 50 of 1,613,878 alleles (0.0031%); highest among the groups gnomAD compares: Non-Finnish European, 0.0042%; no homozygotes.

Submissions (5):

Ambry Genetics
Classification: Uncertain significance for Cardiovascular phenotype. Last evaluated: 2025-01-03. Review status: criteria provided, single submitter. Criteria: Ambry Variant Classification Scheme 2023. Collection method: clinical testing. Allele origin: germline.
Comment: The p.C53F variant (also known as c.158G>T), located in coding exon 1 of the CASQ2 gene, results from a G to T substitution at nucleotide position 158. The cysteine at codon 53 is replaced by phenylalanine, an amino acid with highly dissimilar properties. This alteration has been reported in a catecholaminergic polymorphic ventricular tachycardia (CPVT) cohort (Watanabe H et al. Heart Rhythm, 2013 Apr;10:542-7). This amino acid position is well conserved in available vertebrate species. In addition, the in silico prediction for this alteration is inconclusive. Since supporting evidence is limited at this time, the clinical significance of this alteration remains unclear.

Labcorp Genetics (formerly Invitae), Labcorp
Classification: Uncertain significance for Catecholaminergic polymorphic ventricular tachycardia 1. Last evaluated: 2024-11-18. Review status: criteria provided, single submitter. Criteria: Invitae Variant Classification Sherloc (09022015). Collection method: clinical testing. Allele origin: germline.
Comment: This sequence change replaces cysteine, which is neutral and slightly polar, with phenylalanine, which is neutral and non-polar, at codon 53 of the CASQ2 protein (p.Cys53Phe). This variant is present in population databases (rs151168851, gnomAD 0.003%). This missense change has been observed in individual(s) with catecholaminergic polymorphic ventricular tachycardia (PMID: 32693635). ClinVar contains an entry for this variant (Variation ID: 838554). Invitae Evidence Modeling of protein sequence and biophysical properties (such as structural, functional, and spatial information, amino acid conservation, physicochemical variation, residue mobility, and thermodynamic stability) has been performed for this missense variant. However, the output from this modeling did not meet the statistical confidence thresholds required to predict the impact of this variant on CASQ2 protein function. In summary, the available evidence is currently insufficient to determine the role of this variant in disease. Therefore, it has been classified as a Variant of Uncertain Significance.

Genome-Nilou Lab
Classification: Uncertain significance for Catecholaminergic polymorphic ventricular tachycardia 2. Last evaluated: 2023-04-11. Review status: criteria provided, single submitter. Criteria: ACMG Guidelines, 2015. Collection method: clinical testing. Allele origin: germline. Affected: no.

Fulgent Genetics
Classification: Uncertain significance for Catecholaminergic polymorphic ventricular tachycardia 1; Catecholaminergic polymorphic ventricular tachycardia 2. Last evaluated: 2021-10-06. Review status: criteria provided, single submitter. Criteria: ACMG Guidelines, 2015. Collection method: clinical testing. Allele origin: unknown.

GeneDx
Classification: Uncertain significance. Last evaluated: 2019-12-18. Review status: criteria provided, single submitter. Criteria: GeneDx Variant Classification Process June 2021. Collection method: clinical testing. Allele origin: germline. Affected: yes.
Comment: Not observed at a significant frequency in large population cohorts (Lek et al., 2016); In silico analysis, which includes protein predictors and evolutionary conservation, supports a deleterious effect; Reported in a patient with CPVT who harbored an additional variant in the CASQ2 gene (Watanabe et al., 2013); This variant is associated with the following publications: (PMID: 23286974, 32693635)

Literature cited by the submitters: PubMed 23286974 (cited by Ambry Genetics); PubMed 32693635 (cited by Labcorp Genetics (formerly Invitae), Labcorp).